The following is an entry in ClinVar:

NM_004970.3(IGFALS):c.958C>T (p.Gln320Ter)

Gene: IGFALS (insulin like growth factor binding protein acid labile subunit; minus strand). Cytogenetic location: 16p13.3.
Variant type: single nucleotide variant.
Coding change: c.958C>T on transcript NM_004970.3 (MANE Select); coding-DNA position 958, C replaced by T.
Protein change: p.Gln320Ter; replaces glutamine 320 with a stop codon.
Molecular consequence: nonsense. On other transcripts: non-coding transcript variant (1).
Genome position (GRCh38, 1-based): chr16:1,791,460, G>A on the plus strand (C>T on the coding strand, the complement: IGFALS is on the minus strand). VCF-style: chr16-1791460-G-A. GRCh37 (hg19) VCF-style: chr16-1841461-G-A.
Other names: c.1072C>T, p.Gln358Ter (NM_001146006.2); c.958C>T (NM_004970.2); short protein forms Q320*, Q358*.
Identifiers: ClinVar variation 803146 (VCV000803146.3), dbSNP rs768231769, ClinGen allele CA7820441.

ClinVar aggregate classification (germline): Conflicting classifications of pathogenicity. Review status: criteria provided, conflicting classifications (1 of 4 stars). 2 submissions from 2 submitters: Likely pathogenic (1); Benign (1). Last evaluated 2025-02-28.

Conditions:
Short stature due to primary acid-labile subunit deficiency. Also called: Acid-labile subunit deficiency; Acid-labile subunit, deficiency of. Identifiers: Orphanet 140941, MedGen C3900122, MONDO:0014420, OMIM 615961.

Allele frequency attached by ClinVar (database versions not stated): gnomAD exomes below 0.00001; ExAC 0.00001.
gnomAD v4.1: 1 of 1,612,358 alleles (0.000062%); highest among the groups gnomAD compares: Admixed American, 0.0017%; no homozygotes.

Submissions (2):

GeneDx
Classification: Likely pathogenic. Last evaluated: 2025-02-28. Review status: criteria provided, single submitter. Criteria: GeneDx Variant Classification Process June 2021. Collection method: clinical testing. Allele origin: germline.
Comment: Nonsense variant predicted to result in protein truncation, as the last 286 amino acids are lost, and other loss-of-function variants have been reported downstream in HGMD; Not observed at significant frequency in large population cohorts (gnomAD); This variant is associated with the following publications: (PMID: 19729943, 22587301, 18303074, 32861700)

Mendelics
Classification: Benign for Short stature due to primary acid-labile subunit deficiency. Last evaluated: 2019-05-28. Review status: criteria provided, single submitter. Criteria: Mendelics Assertion Criteria 2017. Collection method: clinical testing. Allele origin: unknown.